The following is an entry in ClinVar:

ClinVar aggregate classification (germline): Uncertain significance. Review status: criteria provided, multiple submitters, no conflicts (2 of 4 stars). 3 submissions from 3 submitters: Uncertain significance (3). Last evaluated 2024-12-05.

Conditions:
Catecholaminergic polymorphic ventricular tachycardia 1. Also called: VENTRICULAR TACHYCARDIA, CATECHOLAMINERGIC POLYMORPHIC, 1, WITH OR WITHOUT ATRIAL DYSFUNCTION AND/OR DILATED CARDIOMYOPATHY; RYR2-Related Catecholaminergic Polymorphic Ventricular Tachycardia; VENTRICULAR TACHYCARDIA, STRESS-INDUCED POLYMORPHIC 1. Identifiers: Orphanet 3286, MedGen C1631597, MONDO:0011484, OMIM 604772.
Cardiovascular phenotype. Identifiers: MedGen CN230736.
Catecholaminergic polymorphic ventricular tachycardia 5 (CARDAR). Also called: Ventricular tachycardia, catecholaminergic polymorphic, 5, with or without muscle weakness; CARDIAC ARRHYTHMIA SYNDROME, WITH OR WITHOUT SKELETAL MUSCLE WEAKNESS. Identifiers: Orphanet 3286, MedGen C3809536, MONDO:0014191, OMIM 615441.

Allele frequency attached by ClinVar (database versions not stated): TOPMed 0.00002.
gnomAD v4.1: 41 of 1,596,200 alleles (0.0026%); highest among the groups gnomAD compares: Non-Finnish European, 0.0034%; no homozygotes.

Submissions (3):

Center for Genomics, Ann and Robert H. Lurie Children's Hospital of Chicago
Classification: Uncertain significance for Catecholaminergic polymorphic ventricular tachycardia 5. Last evaluated: 2024-12-05. Review status: criteria provided, single submitter. Criteria: ACMG Guidelines, 2015. Collection method: clinical testing. Allele origin: germline. Inheritance: Autosomal recessive inheritance.
Comment: This variant has not been reported in the literature in association with disease. It is present in gnomAD (highest reported MAF: 0.0034% [40/1172436]) and ClinVar (Variation ID: 408732). This variant alters the consensus splice sequence (+/- 1,2) which is predicted to disrupt canonical splicing and may result in an absent or abnormal protein. Loss of function has been reported as a mechanism of disease for this gene (Chopra 2013 PMID: 23396608, Altmann 2015 PMID: 25922419). However, this variant does impact the predominant cardiac isoform of this gene (encoded by transcript NM_001256021.1). In summary, data on this variant is insufficient and its clinical significance is therefore uncertain.

Labcorp Genetics (formerly Invitae), Labcorp
Classification: Uncertain significance for Catecholaminergic polymorphic ventricular tachycardia 1. Last evaluated: 2021-07-12. Review status: criteria provided, single submitter. Criteria: Invitae Variant Classification Sherloc (09022015). Collection method: clinical testing. Allele origin: germline.
Comment: This sequence change affects a donor splice site in intron 12 of the TRDN gene. However, it is currently unclear if variants that occur in this region of the gene cause disease. This variant is not present in population databases (ExAC no frequency). This variant has not been reported in the literature in individuals affected with TRDN-related conditions. ClinVar contains an entry for this variant (Variation ID: 408732). Algorithms developed to predict the effect of sequence changes on RNA splicing suggest that this variant may disrupt the consensus splice site. In summary, the available evidence is currently insufficient to determine the role of this variant in disease. Therefore, it has been classified as a Variant of Uncertain Significance.

Ambry Genetics
Classification: Uncertain significance for Cardiovascular phenotype. Last evaluated: 2020-12-21. Review status: criteria provided, single submitter. Criteria: Ambry Variant Classification Scheme 2023. Collection method: clinical testing. Allele origin: germline.
Comment: The c.1051+1G>A intronic variant results from a G to A substitution one nucleotide after coding exon 12 of the TRDN gene. This nucleotide position is highly conserved in available vertebrate species. In silico splice site analysis predicts that this alteration will weaken the native splice donor site. Alterations that disrupt the canonical splice site are expected to cause aberrant splicing, resulting in an abnormal protein or a transcript that is subject to nonsense-mediated mRNA decay. However, this alteration does not impact the predominant cardiac isoform of TRDN (NM_001256021.1; Kobayashi YM et al. J. Biol. Chem., 1999 Oct;274:28660-8). Since supporting evidence is limited at this time, the clinical significance of this alteration remains unclear.

NM_006073.4(TRDN):c.1051+1G>A

Gene: TRDN (triadin; minus strand). Cytogenetic location: 6q22.31.
Variant type: single nucleotide variant.
Coding change: c.1051+1G>A on transcript NM_006073.4 (MANE Select); the canonical splice donor site of the intron after coding-DNA position 1051, G replaced by A.
Molecular consequence: splice donor variant.
Genome position (GRCh38, 1-based): chr6:123,438,062, C>T on the plus strand (G>A on the coding strand, the complement: TRDN is on the minus strand). VCF-style: chr6-123438062-C-T. GRCh37 (hg19) VCF-style: chr6-123759207-C-T.
Other names: c.994+1G>A (NM_001407315.1); c.1054+1G>A (NM_001251987.2).
Identifiers: ClinVar variation 408732 (VCV000408732.13), dbSNP rs535908547, ClinGen allele CA16612007.